The following is an entry in ClinVar:

NM_001110556.2(FLNA):c.622+3G>A

Gene: FLNA (filamin A; minus strand). Cytogenetic location: Xq28.
Variant type: single nucleotide variant.
Coding change: c.622+3G>A on transcript NM_001110556.2 (MANE Select); 3 bases into the intron after coding-DNA position 622, G replaced by A.
Molecular consequence: intron variant.
Genome position (GRCh38, 1-based): chrX:154,367,839, C>T on the plus strand (G>A on the coding strand, the complement: FLNA is on the minus strand). VCF-style: chrX-154367839-C-T. GRCh37 (hg19) VCF-style: chrX-153596207-C-T.
Other names: c.622+3G>A (NM_001456.4).
Identifiers: ClinVar variation 1474397 (VCV001474397.8), dbSNP rs2148119314, ClinGen allele CA2573159439.

ClinVar aggregate classification (germline): Uncertain significance. Review status: criteria provided, multiple submitters, no conflicts (2 of 4 stars). 2 submissions from 2 submitters: Uncertain significance (2). Last evaluated 2021-10-25.

Conditions:
Melnick-Needles syndrome (MNS). Also called: MELNICK-NEEDLES OSTEODYSPLASTY; OSTEODYSPLASTY OF MELNICK AND NEEDLES; Melnick-Needles Syndrome (FLNA-MNS). Identifiers: Orphanet 2484, MedGen C0025237, MONDO:0010650, OMIM 309350.
Heterotopia, periventricular, X-linked dominant (PVNH1). Also called: PERIVENTRICULAR NODULAR HETEROTOPIA 4; HETEROTOPIA, PERIVENTRICULAR, 1; PERIVENTRICULAR NODULAR HETEROTOPIA 1; X-linked periventricular heterotopia. Identifiers: Orphanet 2149, Orphanet 82004, MedGen C1848213, MONDO:0010233, OMIM 300049.
Frontometaphyseal dysplasia (FMD1). Identifiers: Orphanet 1826, MedGen C0265293, MONDO:0015942.
Oto-palato-digital syndrome, type II (OPD2). Also called: FACIOPALATOOSSEOUS SYNDROME; Otopalatodigital Syndrome, Type II; OPD II SYNDROME; Otopalatodigital Syndrome Type 2 (FLNA-OPD2). Identifiers: Orphanet 669, Orphanet 90652, MedGen C1844696, MONDO:0010571, OMIM 304120.
Cardiac valvular dysplasia, X-linked (CVDPX). Also called: FLNA-Related X-linked Cardiac Valvular Dysplasia; Congenital valvular dysplasia; Isolated X-Linked Cardiac Valvular Dysplasia; MYXOMATOUS VALVULAR DYSTROPHY, X-LINKED; VALVULAR HEART DISEASE, CONGENITAL. Identifiers: Orphanet 1864, Orphanet 555877, Orphanet 75497, MedGen C0262436, MONDO:0010753, OMIM 314400.
Terminal osseous dysplasia-pigmentary defects syndrome. Also called: Terminal Osseous Dysplasia (FLNA-TOD); ODPD; TERMINAL OSSEOUS DYSPLASIA AND PIGMENTARY DEFECTS; ODPF SYNDROME; OSSEOUS DYSPLASIA, DIGITAL, WITH FACIAL PIGMENTARY DEFECTS AND MULTIPLE FRENULA. Identifiers: Orphanet 88630, MedGen C1846129, MONDO:0010279, OMIM 300244.
Frontometaphyseal dysplasia 1 (FMD1). Also called: Frontometaphyseal Dysplasia (FLNA-FMD). Identifiers: Orphanet 1826, MedGen C4281559, MONDO:0024550, OMIM 305620.
Intestinal pseudoobstruction, neuronal, chronic idiopathic, X-linked (CIIPX). Also called: CONGENITAL IDIOPATHIC INTESTINAL PSEUDOOBSTRUCTION; FLNA-Related Periventricular Nodular Heterotopia (FLNA-Related PVNH; Huttenlocher Syndrome); INTESTINAL PSEUDOOBSTRUCTION, NEURONAL, CHRONIC IDIOPATHIC, WITH CENTRAL NERVOUS SYSTEM INVOLVEMENT. Identifiers: Orphanet 2301, MedGen C2746068, MONDO:0010232, OMIM 300048.
FG syndrome 2 (FGS2). Identifiers: MedGen C1845902, MONDO:0010297, OMIM 300321.
Oto-palato-digital syndrome, type I (OPD1). Also called: Taybi syndrome; Otopalatodigital Syndrome, Type I; OPD I SYNDROME; OPD SYNDROME 1; Otopalatodigital Syndrome Type 1 (FLNA-OPD1). Identifiers: Orphanet 669, Orphanet 90650, MedGen C0265251, MONDO:0010704, OMIM 311300.

Submissions (2):

Labcorp Genetics (formerly Invitae), Labcorp
Classification: Uncertain significance for Oto-palato-digital syndrome, type II; Heterotopia, periventricular, X-linked dominant; Frontometaphyseal dysplasia; Melnick-Needles syndrome. Last evaluated: 2021-10-25. Review status: criteria provided, single submitter. Criteria: Invitae Variant Classification Sherloc (09022015). Collection method: clinical testing. Allele origin: germline.
Comment: This sequence change falls in intron 3 of the FLNA gene. It does not directly change the encoded amino acid sequence of the FLNA protein. It affects a nucleotide within the consensus splice site of the intron. This variant is not present in population databases (ExAC no frequency). This variant has not been reported in the literature in individuals with FLNA-related conditions. Nucleotide substitutions within the consensus splice site are a relatively common cause of aberrant splicing (PMID: 17576681, 9536098). Algorithms developed to predict the effect of sequence changes on RNA splicing suggest that this variant is not likely to affect RNA splicing, but this prediction has not been confirmed by published transcriptional studies. In summary, the available evidence is currently insufficient to determine the role of this variant in disease. Therefore, it has been classified as a Variant of Uncertain Significance.

Juno Genomics, Hangzhou Juno Genomics, Inc
Classification: Uncertain significance for FG syndrome 2; Cardiac valvular dysplasia, X-linked; Intestinal pseudoobstruction, neuronal, chronic idiopathic, X-linked; Frontometaphyseal dysplasia 1; Heterotopia, periventricular, X-linked dominant; Melnick-Needles syndrome; Oto-palato-digital syndrome, type I; Oto-palato-digital syndrome, type II; Terminal osseous dysplasia-pigmentary defects syndrome. Review status: criteria provided, single submitter. Criteria: ACMG Guidelines, 2015. Collection method: clinical testing. Allele origin: germline.
Comment: Absent from controls (or at extremely low frequency if recessive) in Genome Aggregation Database.

Literature cited by the submitters: PubMed 17576681 (cited by Labcorp Genetics (formerly Invitae), Labcorp); PubMed 9536098 (cited by Labcorp Genetics (formerly Invitae), Labcorp).